The following is an entry in ClinVar:

NM_207111.4(RNF216):c.1212A>G (p.Gln404=)

Gene: RNF216 (ring finger protein 216; minus strand). Cytogenetic location: 7p22.1.
Variant type: single nucleotide variant.
Coding change: c.1212A>G on transcript NM_207111.4 (MANE Select); coding-DNA position 1212, A replaced by G.
Protein change: p.Gln404=; no amino-acid change (glutamine 404 retained).
Molecular consequence: synonymous variant.
Genome position (GRCh38, 1-based): chr7:5,730,727, T>C on the plus strand (A>G on the coding strand, the complement: RNF216 is on the minus strand). VCF-style: chr7-5730727-T-C. GRCh37 (hg19) VCF-style: chr7-5770358-T-C.
Other names: c.1041A>G, p.Gln347= (NM_001377156.1, NM_207116.3).
Identifiers: ClinVar variation 3905639 (VCV003905639.11).

ClinVar aggregate classification (germline): Likely benign. Review status: criteria provided, multiple submitters, no conflicts (2 of 4 stars). 2 submissions from 2 submitters: Likely benign (2). Last evaluated 2025-06-01.

gnomAD v4.1: 19 of 1,607,774 alleles (0.0012%); highest among the groups gnomAD compares: Non-Finnish European, 0.0015%; no homozygotes.

Submissions (2):

CeGaT Center for Human Genetics Tuebingen
Classification: Likely benign. Last evaluated: 2025-06-01. Review status: criteria provided, single submitter. Criteria: CeGaT Center For Human Genetics Tuebingen Variant Classification Criteria Version 2. Collection method: clinical testing. Allele origin: germline. Affected: yes. Observed: 1 variant allele.
Comment: RNF216: BP4, BP7

Blueprint Genetics
Classification: Likely benign. Last evaluated: 2022-04-08. Review status: criteria provided, single submitter. Criteria: ACMG Guidelines, 2015. Collection method: clinical testing. Allele origin: germline.